The following is an entry in ClinVar:

NM_001378964.1(CDON):c.746C>T (p.Pro249Leu)

Gene: CDON (cell adhesion associated, oncogene regulated; minus strand). Cytogenetic location: 11q24.2.
Variant type: single nucleotide variant.
Coding change: c.746C>T on transcript NM_001378964.1 (MANE Select); coding-DNA position 746, C replaced by T.
Protein change: p.Pro249Leu; replaces proline 249 with leucine.
Molecular consequence: missense variant.
Genome position (GRCh38, 1-based): chr11:126,017,270, G>A on the plus strand (C>T on the coding strand, the complement: CDON is on the minus strand). VCF-style: chr11-126017270-G-A. GRCh37 (hg19) VCF-style: chr11-125887165-G-A.
Other names: c.746C>T, p.Pro249Leu (NM_001243597.3, NM_016952.6); short protein forms P249L.
Identifiers: ClinVar variation 2042136 (VCV002042136.27), dbSNP rs138087778, ClinGen allele CA6352252.

ClinVar aggregate classification (germline): Uncertain significance. Review status: criteria provided, multiple submitters, no conflicts (2 of 4 stars). 2 submissions from 2 submitters: Uncertain significance (2). Last evaluated 2025-05-04.

Conditions:
Holoprosencephaly 11 (HPE11). Identifiers: Orphanet 2162, MedGen C3280215, MONDO:0013642, OMIM 614226.

Allele frequency attached by ClinVar (database versions not stated): ESP Exome Variant Server 0.00023; 1000 Genomes Project 30x 0.00031; ExAC 0.00034; TOPMed 0.00037; gnomAD 0.00038; 1000 Genomes Project 0.00040; gnomAD exomes 0.00040.
gnomAD v4.1: 657 of 1,614,032 alleles (0.041%); highest among the groups gnomAD compares: Middle Eastern, 0.48%; no homozygotes.

Submissions (2):

Labcorp Genetics (formerly Invitae), Labcorp
Classification: Uncertain significance for Holoprosencephaly 11. Last evaluated: 2025-05-04. Review status: criteria provided, single submitter. Criteria: Invitae Variant Classification Sherloc (09022015). Collection method: clinical testing. Allele origin: germline.
Comment: This sequence change replaces proline, which is neutral and non-polar, with leucine, which is neutral and non-polar, at codon 249 of the CDON protein (p.Pro249Leu). This variant is present in population databases (rs138087778, gnomAD 0.05%). This variant has not been reported in the literature in individuals affected with CDON-related conditions. ClinVar contains an entry for this variant (Variation ID: 2042136). An algorithm developed to predict the effect of missense changes on protein structure and function (PolyPhen-2) suggests that this variant is likely to be tolerated. In summary, the available evidence is currently insufficient to determine the role of this variant in disease. Therefore, it has been classified as a Variant of Uncertain Significance.

CeGaT Center for Human Genetics Tuebingen
Classification: Uncertain significance. Last evaluated: 2023-02-01. Review status: criteria provided, single submitter. Criteria: CeGaT Center For Human Genetics Tuebingen Variant Classification Criteria Version 2. Collection method: clinical testing. Allele origin: germline. Affected: yes. Observed: 2 variant alleles.